The following is an entry in ClinVar:

ClinVar aggregate classification (germline): Pathogenic (1 of 4 stars; one submission).

Submission:

Labcorp Genetics (formerly Invitae), Labcorp
Classification: Pathogenic. Last evaluated: 2023-09-08. Review status: criteria provided, single submitter. Criteria: Invitae Variant Classification Sherloc (09022015). Collection method: clinical testing. Allele origin: unknown.
Comment: A gross deletion of the genomic region encompassing the full coding sequence of the EIF2B5 gene has been identified. Loss-of-function variants in EIF2B5 are known to be pathogenic (PMID: 11704758, 15060152, 21307862). The boundaries of this event are unknown as they extend beyond the assayed region for this gene and therefore may encompass additional genes. This variant has not been reported in the literature in individuals affected with EIF2B5-related conditions. For these reasons, this variant has been classified as Pathogenic.

Literature cited by the submitters: PubMed 11704758; PubMed 15060152; PubMed 21307862.

NC_000003.11:g.(?_183853164)_(183862741_?)del

Gene: EIF2B5 (eukaryotic translation initiation factor 2B subunit epsilon; plus strand). Cytogenetic location: 3q27.1.
Variant type: Deletion.
Identifiers: ClinVar variation 3246990 (VCV003246990.1).